The following is an entry in ClinVar:

ClinVar aggregate classification (germline): Pathogenic. Review status: reviewed by expert panel (3 of 4 stars). 2 submissions from 2 submitters: Pathogenic (1). 1 of the submissions does not count toward it. Last evaluated 2016-10-18.

Conditions:
Breast-ovarian cancer, familial, susceptibility to, 1 (BROVCA1). Also called: BRCA1 Hereditary Breast and Ovarian Cancer; OVARIAN CANCER, SUSCEPTIBILITY TO. Identifiers: Orphanet 145, MedGen C2676676, MONDO:0011450, OMIM 604370. Disease mechanism: loss of function.

Submissions (3):

Evidence-based Network for the Interpretation of Germline Mutant Alleles (ENIGMA)
Classification: Pathogenic for Breast-ovarian cancer, familial, susceptibility to, 1. Last evaluated: 2016-10-18. Review status: reviewed by expert panel. Criteria: ENIGMA BRCA1/2 Classification Criteria (2015). Collection method: curation. Allele origin: germline.
Comment: Variant allele predicted to encode a truncated non-functional protein.

Consortium of Investigators of Modifiers of BRCA1/2 (CIMBA), c/o University of Cambridge
Classification: Pathogenic for Breast-ovarian cancer, familial, susceptibility to, 1. Last evaluated: 2015-10-02. Review status: criteria provided, single submitter. Criteria: CIMBA Mutation Classification guidelines May 2016. Collection method: clinical testing. Allele origin: germline. Not counted in ClinVar's aggregate classification.

Brotman Baty Institute, University of Washington
No classification provided (evidence only). Condition: Breast-ovarian cancer, familial 1. Review status: no classification provided. Collection method: in vitro. Allele origin: not applicable. Functional consequence: functionally_abnormal. Not counted in ClinVar's aggregate classification.
ClinVar note: "not provided" was previously submitted as the classification for the variant. However, the classification appeared to be based only on an observation of functional data so it was converted to no classification on 2025-07-30.

NM_007294.4(BRCA1):c.5128G>T (p.Gly1710Ter)

Gene: BRCA1 (BRCA1 DNA repair associated; minus strand). Cytogenetic location: 17q21.31.
Variant type: single nucleotide variant.
Coding change: c.5128G>T on transcript NM_007294.4 (MANE Select); coding-DNA position 5128, G replaced by T.
Protein change: p.Gly1710Ter; replaces glycine 1710 with a stop codon.
Molecular consequence: nonsense. On other transcripts: non-coding transcript variant (1).
Genome position (GRCh38, 1-based): chr17:43,063,898, C>A on the plus strand (G>T on the coding strand, the complement: BRCA1 is on the minus strand). VCF-style: chr17-43063898-C-A. GRCh37 (hg19) VCF-style: chr17-41215915-C-A.
Other names: 5247G>T-Gly1710ter; c.1699G>T, p.Gly567Ter (NM_001408423.1, NM_001408424.1, NM_001408421.1 and 1 more transcripts); c.1696G>T, p.Gly566Ter (NM_001408425.1, NM_001408426.1, NM_001408427.1 and 4 more transcripts); c.1693G>T, p.Gly565Ter (NM_001408432.1, NM_001408442.1, NM_001408443.1 and 10 more transcripts); c.1675G>T, p.Gly559Ter (NM_001408462.1, NM_001408463.1, NM_001408464.1 and 7 more transcripts); c.1672G>T, p.Gly558Ter (NM_001408468.1, NM_001408469.1, NM_001408470.1); c.1816G>T, p.Gly606Ter (NM_001408472.1, NM_001407979.1, NM_001407980.1 and 13 more transcripts); c.1606G>T, p.Gly536Ter (NM_001408483.1, NM_001408484.1, NM_001408485.1 and 5 more transcripts); and 72 more; short protein forms G1710*, G1731*, G1663*, G606*, G1583*, G1620*, G1622*, G1638*.
Identifiers: ClinVar variation 55409 (VCV000055409.9), dbSNP rs397509229, ClinGen allele CA003256.